The following is an entry in ClinVar:

NM_020937.4(FANCM):c.2426T>G (p.Phe809Cys)

Gene: FANCM (FA complementation group M; plus strand). Cytogenetic location: 14q21.2.
Variant type: single nucleotide variant.
Coding change: c.2426T>G on transcript NM_020937.4 (MANE Select); coding-DNA position 2426, T replaced by G.
Protein change: p.Phe809Cys; replaces phenylalanine 809 with cysteine.
Molecular consequence: missense variant.
Genome position (GRCh38, 1-based): chr14:45,175,180, T>G. VCF-style: chr14-45175180-T-G. GRCh37 (hg19) VCF-style: chr14-45644383-T-G.
Other names: c.2348T>G, p.Phe783Cys (NM_001308133.2); short protein forms F783C, F809C.
Identifiers: ClinVar variation 956167 (VCV000956167.12), dbSNP rs565347397, ClinGen allele CA259627658.

ClinVar aggregate classification (germline): Uncertain significance. Review status: criteria provided, multiple submitters, no conflicts (2 of 4 stars). 4 submissions from 4 submitters: Uncertain significance (4). Last evaluated 2026-05-26.

Conditions:
Inborn genetic diseases. Identifiers: MedGen C0950123, MeSH D030342.
Spermatogenic failure 28. Identifiers: MedGen C4748117, MONDO:0054732, OMIM 618086.
Premature ovarian failure 15. Identifiers: MedGen C4748170, MONDO:0054862, OMIM 618096.
Fanconi anemia (FA). Also called: Fanconi's anemia. Identifiers: Orphanet 84, MedGen C0015625, MeSH D005199, MONDO:0019391.

Allele frequency attached by ClinVar (database versions not stated): gnomAD exomes 0.00001 and below 0.00001; TOPMed 0.00003; gnomAD 0.00005.
gnomAD v4.1: 20 of 1,607,652 alleles (0.0012%); highest among the groups gnomAD compares: African/African-American, 0.012%; 1 homozygote.

Submissions (4):

Ambry Genetics
Classification: Uncertain significance for Inborn genetic diseases. Last evaluated: 2026-05-26. Review status: criteria provided, single submitter. Criteria: Ambry Variant Classification Scheme 2023. Collection method: clinical testing. Allele origin: germline.

Labcorp Genetics (formerly Invitae), Labcorp
Classification: Uncertain significance for Fanconi anemia. Last evaluated: 2025-03-09. Review status: criteria provided, single submitter. Criteria: Invitae Variant Classification Sherloc (09022015). Collection method: clinical testing. Allele origin: germline.
Comment: This sequence change replaces phenylalanine, which is neutral and non-polar, with cysteine, which is neutral and slightly polar, at codon 809 of the FANCM protein (p.Phe809Cys). This variant is present in population databases (rs565347397, gnomAD 0.008%). This variant has not been reported in the literature in individuals affected with FANCM-related conditions. ClinVar contains an entry for this variant (Variation ID: 956167). An algorithm developed to predict the effect of missense changes on protein structure and function (PolyPhen-2) suggests that this variant is likely to be disruptive. In summary, the available evidence is currently insufficient to determine the role of this variant in disease. Therefore, it has been classified as a Variant of Uncertain Significance.

GeneDx
Classification: Uncertain significance. Last evaluated: 2024-08-15. Review status: criteria provided, single submitter. Criteria: GeneDx Variant Classification Process June 2021. Collection method: clinical testing. Allele origin: germline. Affected: yes.
Comment: Not observed at significant frequency in large population cohorts (gnomAD); In silico analysis indicates that this missense variant does not alter protein structure/function; Has not been previously published as pathogenic or benign to our knowledge

Fulgent Genetics
Classification: Uncertain significance for Spermatogenic failure 28; Premature ovarian failure 15. Last evaluated: 2021-11-06. Review status: criteria provided, single submitter. Criteria: ACMG Guidelines, 2015. Collection method: clinical testing. Allele origin: unknown.